The following is an entry in ClinVar:

ClinVar aggregate classification (germline): Uncertain significance. Review status: criteria provided, multiple submitters, no conflicts (2 of 4 stars). 2 submissions from 2 submitters: Uncertain significance (2). Last evaluated 2025-06-30.

Conditions:
Inborn genetic diseases. Identifiers: MedGen C0950123, MeSH D030342.

Allele frequency attached by ClinVar (database versions not stated): ESP Exome Variant Server 0.00015.

Submissions (2):

Ambry Genetics
Classification: Uncertain significance for Inborn genetic diseases. Last evaluated: 2025-06-30. Review status: criteria provided, single submitter. Criteria: Ambry Variant Classification Scheme 2023. Collection method: clinical testing. Allele origin: germline.

Labcorp Genetics (formerly Invitae), Labcorp
Classification: Uncertain significance. Last evaluated: 2022-10-24. Review status: criteria provided, single submitter. Criteria: Invitae Variant Classification Sherloc (09022015). Collection method: clinical testing. Allele origin: germline.
Comment: In summary, the available evidence is currently insufficient to determine the role of this variant in disease. Therefore, it has been classified as a Variant of Uncertain Significance. Advanced modeling of protein sequence and biophysical properties (such as structural, functional, and spatial information, amino acid conservation, physicochemical variation, residue mobility, and thermodynamic stability) performed at Invitae indicates that this missense variant is expected to disrupt COL9A3 protein function. ClinVar contains an entry for this variant (Variation ID: 1378819). This variant has not been reported in the literature in individuals affected with COL9A3-related conditions. This variant is present in population databases (rs144407174, gnomAD 0.01%). This sequence change replaces glycine, which is neutral and non-polar, with serine, which is neutral and polar, at codon 633 of the COL9A3 protein (p.Gly633Ser).

NM_001853.4(COL9A3):c.1897G>A (p.Gly633Ser)

Gene: COL9A3 (collagen type IX alpha 3 chain; plus strand). Cytogenetic location: 20q13.33.
Variant type: single nucleotide variant.
Coding change: c.1897G>A on transcript NM_001853.4 (MANE Select); coding-DNA position 1897, G replaced by A.
Protein change: p.Gly633Ser; replaces glycine 633 with serine.
Molecular consequence: missense variant.
Genome position (GRCh38, 1-based): chr20:62,840,574, G>A. VCF-style: chr20-62840574-G-A. GRCh37 (hg19) VCF-style: chr20-61471926-G-A.
Other names: c.1897G>A, p.Gly633Ser (LRG_1253t1); short protein forms G633S.
Identifiers: ClinVar variation 1378819 (VCV001378819.6), dbSNP rs144407174, ClinGen allele CA9950252.
Genomic context (GRCh38, chr20:62,840,574, plus strand): 5'-TGAACTCACCTTTCTGCTCTGTCCCAAGGACCCCAAGGCGTGCCCGGCACCAGCAAGGAC[G>A]GCCAGGACGGTGCTCCCGGCGAGCCTGGGCCTCCCGGAGATCCTGGGCTTCCAGGTGCCA-3'
Protein context (NP_001844.3, residues 623-643): PQGVPGTSKD[Gly633Ser]QDGAPGEPGP